The following is an entry in ClinVar:

ClinVar aggregate classification (germline): Uncertain significance (1 of 4 stars; one submission).

Conditions:
Nemaline myopathy 2 (NEM2). Also called: Nemaline myopathy 2, autosomal recessive. Identifiers: MedGen C1850569, MONDO:0009725, OMIM 256030.

Submission:

Labcorp Genetics (formerly Invitae), Labcorp
Classification: Uncertain significance for Nemaline myopathy 2. Last evaluated: 2021-12-13. Review status: criteria provided, single submitter. Criteria: Invitae Variant Classification Sherloc (09022015). Collection method: clinical testing. Allele origin: germline.
Comment: In summary, the available evidence is currently insufficient to determine the role of this variant in disease. Therefore, it has been classified as a Variant of Uncertain Significance. Experimental studies and prediction algorithms are not available or were not evaluated, and the functional significance of this variant is currently unknown. This variant has not been reported in the literature in individuals affected with NEB-related conditions. This variant results in a copy number gain of the genomic region encompassing exon(s) 72-81 of the NEB gene. While the exact position of this variant cannot be determined from the data, sub-genic copy number gains are generally in tandem (PMID: 25640679). This variant is predicted to be in-frame, and likely preserves the integrity of the reading frame.

Literature cited by the submitters: PubMed 25640679.

NC_000002.11:g.(?_152466303)_(152477560_?)dup

Gene: NEB (nebulin; minus strand). Cytogenetic location: 2q23.3.
Variant type: Duplication.
Identifiers: ClinVar variation 2424072 (VCV002424072.4).